The following is an entry in ClinVar:

ClinVar aggregate classification (germline): Pathogenic (1 of 4 stars; one submission).

Submission:

Labcorp Genetics (formerly Invitae), Labcorp
Classification: Pathogenic. Last evaluated: 2023-11-02. Review status: criteria provided, single submitter. Criteria: Invitae Variant Classification Sherloc (09022015). Collection method: clinical testing. Allele origin: germline.
Comment: This sequence change creates a premature translational stop signal (p.Ser141Leufs*10) in the OSTM1 gene. It is expected to result in an absent or disrupted protein product. Loss-of-function variants in OSTM1 are known to be pathogenic (PMID: 12627228, 15108279, 16813530). This variant is not present in population databases (gnomAD no frequency). This variant has not been reported in the literature in individuals affected with OSTM1-related conditions. For these reasons, this variant has been classified as Pathogenic.

Literature cited by the submitters: PubMed 12627228; PubMed 15108279; PubMed 16813530.

NM_014028.4(OSTM1):c.421_422del (p.Ser141fs)

Gene: OSTM1 (osteoclastogenesis associated transmembrane protein 1; minus strand). Cytogenetic location: 6q21.
Variant type: Microsatellite.
Coding change: c.421_422del on transcript NM_014028.4 (MANE Select); coding-DNA positions 421 to 422, 2 bases deleted (AG; older notation c.421_422delAG).
Protein change: p.Ser141fs; shifts the reading frame from serine 141.
Molecular consequence: frameshift variant.
Genome position (GRCh38, 1-based): chr6:108,064,280-108,064,281, CT deleted on the plus strand (AG on the coding strand, the reverse complement: OSTM1 is on the minus strand); deleting any 2 consecutive bases within chr6:108,064,280-108,064,283 gives the same sequence; the c. name uses the placement nearest the transcript's 3' end. VCF-style (leftmost placement, unchanged base first): chr6-108064279-ACT-A. GRCh37 (hg19) VCF-style: chr6-108385483-ACT-A.
Other names: short protein forms S141fs.
Identifiers: ClinVar variation 2692631 (VCV002692631.3), dbSNP rs2482208468, ClinGen allele CA2697553633.